The following is an entry in ClinVar:

ClinVar aggregate classification (germline): Likely benign. Review status: criteria provided, multiple submitters, no conflicts (2 of 4 stars). 2 submissions from 2 submitters: Likely benign (2). Last evaluated 2022-11-30.

Conditions:
Cardiomyopathy (CMYO). Also called: Cardiomyopathies. Identifiers: Orphanet 167848, MedGen C0878544, MONDO:0004994, HP:0001638. Inheritance: Various modes of inheritance.
Catecholaminergic polymorphic ventricular tachycardia (CVPT). Also called: Catecholamine-induced polymorphic ventricular tachycardia. Identifiers: Orphanet 3286, MedGen C5574922, MONDO:0017990.

gnomAD v4.1: 5 of 1,613,786 alleles (0.00031%); highest among the groups gnomAD compares: Non-Finnish European, 0.00042%; no homozygotes.

Submissions (2):

All of Us Research Program, National Institutes of Health
Classification: Likely benign for Catecholaminergic polymorphic ventricular tachycardia. Last evaluated: 2022-11-30. Review status: criteria provided, single submitter. Criteria: ACMG Guidelines, 2015. Collection method: clinical testing. Allele origin: germline. Inheritance: Autosomal dominant inheritance. Observed: 1 variant allele, 1 heterozygote.
Comment: This study involves interpretation of variants in research participants for the purpose of population health screening. Participant phenotype was not available at the time of variant classification. Additional details can be found in publication PMID: 35346344, PMCID: PMC8962531

Color Diagnostics, LLC DBA Color Health
Classification: Likely benign for Cardiomyopathy. Last evaluated: 2022-11-06. Review status: criteria provided, single submitter. Criteria: ACMG Guidelines, 2015. Collection method: clinical testing. Allele origin: germline.

NM_001035.3(RYR2):c.2589A>G (p.Thr863=)

Gene: RYR2 (ryanodine receptor 2; plus strand). Cytogenetic location: 1q43.
Variant type: single nucleotide variant.
Coding change: c.2589A>G on transcript NM_001035.3 (MANE Select); coding-DNA position 2589, A replaced by G.
Protein change: p.Thr863=; no amino-acid change (threonine 863 retained).
Molecular consequence: synonymous variant.
Genome position (GRCh38, 1-based): chr1:237,503,481, A>G. VCF-style: chr1-237503481-A-G. GRCh37 (hg19) VCF-style: chr1-237666781-A-G.
Identifiers: ClinVar variation 3069338 (VCV003069338.2), dbSNP rs587781141, ClinGen allele CA086077.